The following is an entry in ClinVar:

NM_015178.3(RHOBTB2):c.1449C>T (p.His483=)

Gene: RHOBTB2 (Rho related BTB domain containing 2; plus strand). Cytogenetic location: 8p21.3.
Variant type: single nucleotide variant.
Coding change: c.1449C>T on transcript NM_015178.3 (MANE Select); coding-DNA position 1449, C replaced by T.
Protein change: p.His483=; no amino-acid change (histidine 483 retained).
Molecular consequence: synonymous variant.
Genome position (GRCh38, 1-based): chr8:23,007,694, C>T. VCF-style: chr8-23007694-C-T. GRCh37 (hg19) VCF-style: chr8-22865207-C-T.
Other names: c.1515C>T, p.His505= (NM_001160036.2); c.1470C>T, p.His490= (NM_001160037.2); c.1449C>T, p.His483= (NM_001374791.1).
Identifiers: ClinVar variation 1646656 (VCV001646656.40), dbSNP rs150932568, ClinGen allele CA4672661.

ClinVar aggregate classification (germline): Benign/Likely benign. Review status: criteria provided, multiple submitters, no conflicts (2 of 4 stars). 4 submissions from 4 submitters: Benign (2); Likely benign (2). Last evaluated 2026-05-01.

Allele frequency attached by ClinVar (database versions not stated): gnomAD exomes 0.00012; ExAC 0.00017; 1000 Genomes Project 0.00020; 1000 Genomes Project 30x 0.00031; TOPMed 0.00043; ESP Exome Variant Server 0.00046.
gnomAD v4.1: 158 of 1,614,154 alleles (0.0098%); highest among the groups gnomAD compares: African/African-American, 0.11%; 1 homozygote.

Submissions (4):

CeGaT Center for Human Genetics Tuebingen
Classification: Likely benign. Last evaluated: 2026-05-01. Review status: criteria provided, single submitter. Criteria: CeGaT Center For Human Genetics Tuebingen Variant Classification Criteria Version 2. Collection method: clinical testing. Allele origin: germline. Affected: yes. Observed: 3 variant alleles.
Comment: RHOBTB2: BP4, BP7

Labcorp Genetics (formerly Invitae), Labcorp
Classification: Benign. Last evaluated: 2026-01-26. Review status: criteria provided, single submitter. Criteria: Invitae Variant Classification Sherloc (09022015). Collection method: clinical testing. Allele origin: germline.

Blueprint Genetics
Classification: Likely benign. Last evaluated: 2024-09-24. Review status: criteria provided, single submitter. Criteria: ACMG Guidelines, 2015. Collection method: clinical testing. Allele origin: germline.

Breakthrough Genomics
Classification: Benign. Review status: criteria provided, single submitter. Criteria: ACMG Guidelines, 2015. Collection method: not provided. Allele origin: germline. Inheritance: Autosomal dominant inheritance. Affected: yes.